The following is an entry in ClinVar:

NM_138459.5(NUS1):c.541+5G>T

Gene: NUS1 (NUS1 dehydrodolichyl diphosphate synthase subunit; plus strand). Cytogenetic location: 6q22.1.
Variant type: single nucleotide variant.
Coding change: c.541+5G>T on transcript NM_138459.5 (MANE Select); 5 bases into the intron after coding-DNA position 541, G replaced by T.
Molecular consequence: intron variant.
Genome position (GRCh38, 1-based): chr6:117,693,172, G>T. VCF-style: chr6-117693172-G-T. GRCh37 (hg19) VCF-style: chr6-118014335-G-T.
Identifiers: ClinVar variation 2158453 (VCV002158453.4), dbSNP rs1253384171, ClinGen allele CA2578727370.
Genomic context (GRCh38, chr6:117,693,172, plus strand): 5'-AGATTGTTCAAAATACTCACCAGAATTTGCAAATAGTAATGACAAAGATGATCAAGGTAA[G>T]CATGAGTGTATAATTGAACATGTAACATATGAAGATGTGTGTTTTGTGTTTCATGGCAAT-3'

ClinVar aggregate classification (germline): Uncertain significance (1 of 4 stars; one submission).

Conditions:
Congenital disorder of glycosylation, type Iaa. Also called: Congenital disorder of glycosylation, type 1aa. Identifiers: MedGen C4310727, MONDO:0014904, OMIM 617082.

gnomAD v4.1: 1 of 1,611,460 alleles (0.000062%); highest among the groups gnomAD compares: Non-Finnish European, 0.000085%; no homozygotes.

Submission:

Labcorp Genetics (formerly Invitae), Labcorp
Classification: Uncertain significance for Congenital disorder of glycosylation, type Iaa. Last evaluated: 2022-09-25. Review status: criteria provided, single submitter. Criteria: Invitae Variant Classification Sherloc (09022015). Collection method: clinical testing. Allele origin: germline.
Comment: This sequence change falls in intron 2 of the NUS1 gene. It does not directly change the encoded amino acid sequence of the NUS1 protein. It affects a nucleotide within the consensus splice site. This variant is not present in population databases (gnomAD no frequency). This variant has not been reported in the literature in individuals affected with NUS1-related conditions. Variants that disrupt the consensus splice site are a relatively common cause of aberrant splicing (PMID: 17576681, 9536098). Algorithms developed to predict the effect of sequence changes on RNA splicing suggest that this variant is not likely to affect RNA splicing. In summary, the available evidence is currently insufficient to determine the role of this variant in disease. Therefore, it has been classified as a Variant of Uncertain Significance.

Literature cited by the submitters: PubMed 17576681; PubMed 9536098.